The following is an entry in ClinVar:

ClinVar aggregate classification (germline): Uncertain significance. Review status: criteria provided, multiple submitters, no conflicts (2 of 4 stars). 2 submissions from 2 submitters: Uncertain significance (2). Last evaluated 2024-04-08.

Conditions:
Inborn genetic diseases. Identifiers: MedGen C0950123, MeSH D030342.

Allele frequency attached by ClinVar (database versions not stated): gnomAD exomes below 0.00001 and 0.00001; ExAC 0.00002.
gnomAD v4.1: 4 of 1,613,990 alleles (0.00025%); highest among the groups gnomAD compares: South Asian, 0.0044%; no homozygotes.

Submissions (2):

Ambry Genetics
Classification: Uncertain significance for Inborn genetic diseases. Last evaluated: 2024-04-08. Review status: criteria provided, single submitter. Criteria: Ambry Variant Classification Scheme 2023. Collection method: clinical testing. Allele origin: germline.

Labcorp Genetics (formerly Invitae), Labcorp
Classification: Uncertain significance. Last evaluated: 2020-03-23. Review status: criteria provided, single submitter. Criteria: Invitae Variant Classification Sherloc (09022015). Collection method: clinical testing. Allele origin: germline.
Comment: This variant is present in population databases (rs765511174, ExAC 0.01%). In summary, the available evidence is currently insufficient to determine the role of this variant in disease. Therefore, it has been classified as a Variant of Uncertain Significance. Algorithms developed to predict the effect of missense changes on protein structure and function are either unavailable or do not agree on the potential impact of this missense change (SIFT: "Deleterious"; PolyPhen-2: "Benign"; Align-GVGD: "Class C0"). This variant has not been reported in the literature in individuals with MATN3-related conditions. This sequence change replaces alanine with glycine at codon 139 of the MATN3 protein (p.Ala139Gly). The alanine residue is weakly conserved and there is a small physicochemical difference between alanine and glycine.

NM_002381.5(MATN3):c.416C>G (p.Ala139Gly)

Gene: MATN3 (matrilin 3; minus strand). Cytogenetic location: 2p24.1.
Variant type: single nucleotide variant.
Coding change: c.416C>G on transcript NM_002381.5 (MANE Select); coding-DNA position 416, C replaced by G.
Protein change: p.Ala139Gly; replaces alanine 139 with glycine.
Molecular consequence: missense variant.
Genome position (GRCh38, 1-based): chr2:20,006,118, G>C on the plus strand (C>G on the coding strand, the complement: MATN3 is on the minus strand). VCF-style: chr2-20006118-G-C. GRCh37 (hg19) VCF-style: chr2-20205879-G-C.
Other names: c.416C>G (NM_002381.4); short protein forms A139G.
Identifiers: ClinVar variation 1060234 (VCV001060234.10), dbSNP rs765511174, ClinGen allele CA1543972.